The following is an entry in ClinVar:

NM_213599.3(ANO5):c.2176dup (p.Ser726fs)

Gene: ANO5 (anoctamin 5; plus strand). Cytogenetic location: 11p14.3.
Variant type: Duplication.
Coding change: c.2176dup on transcript NM_213599.3 (MANE Select); coding-DNA position 2176, one base duplicated (A; older notation c.2176dupA).
Protein change: p.Ser726fs; shifts the reading frame from serine 726.
Molecular consequence: frameshift variant.
Genome position (GRCh38, 1-based): chr11:22,272,930, A duplicated. VCF-style (leftmost placement, unchanged base first): chr11-22272929-T-TA. GRCh37 (hg19) VCF-style: chr11-22294475-T-TA.
Other names: c.2176dupA (NM_213599.3); c.2173dup, p.Ser725fs (NM_001142649.2); short protein forms S725fs, S726fs.
Identifiers: ClinVar variation 195003 (VCV000195003.20), dbSNP rs797044667, ClinGen allele CA201499.

ClinVar aggregate classification (germline): Pathogenic. Review status: criteria provided, multiple submitters, no conflicts (2 of 4 stars). 4 submissions from 4 submitters: Pathogenic (4). Last evaluated 2025-01-13.

Conditions:
Autosomal recessive limb-girdle muscular dystrophy type 2L (LGMDR12). Also called: MUSCULAR DYSTROPHY, LIMB-GIRDLE, AUTOSOMAL RECESSIVE 12; Limb-Girdle Muscular Dystrophy R12 Anoctamin-5-Related (LGMD-R12); Limb-girdle muscular dystrophy, type 2L. Identifiers: Orphanet 206549, MedGen C1969785, MONDO:0012652, OMIM 611307.
Gnathodiaphyseal dysplasia (GDD). Also called: GNATHODIAPHYSEAL SCLEROSIS; OSTEOGENESIS IMPERFECTA WITH UNUSUAL SKELETAL LESIONS. Identifiers: Orphanet 53697, MedGen C1833736, MONDO:0008151, OMIM 166260.

Allele frequency attached by ClinVar (database versions not stated): gnomAD 0.00001 and 0.00003; gnomAD exomes 0.00001.

Submissions (4):

Women's Health and Genetics/Laboratory Corporation of America, LabCorp
Classification: Pathogenic for Autosomal recessive limb-girdle muscular dystrophy type 2L. Last evaluated: 2025-01-13. Review status: criteria provided, single submitter. Criteria: LabCorp Variant Classification Summary - May 2015. Collection method: clinical testing. Allele origin: germline.
Comment: Variant summary: ANO5 c.2176dupA (p.Ser726LysfsX20) results in a premature termination codon, predicted to cause a truncation of the encoded protein or absence of the protein due to nonsense mediated decay, which are commonly known mechanisms for disease. The variant allele was found at a frequency of 8e-06 in 251444 control chromosomes. To our knowledge, no occurrence of c.2176dupA in individuals affected with Autosomal recessive limb-girdle muscular dystrophy type 2L and no experimental evidence demonstrating its impact on protein function have been reported. ClinVar contains an entry for this variant (Variation ID: 195003). Based on the evidence outlined above, the variant was classified as pathogenic.

Labcorp Genetics (formerly Invitae), Labcorp
Classification: Pathogenic for Autosomal recessive limb-girdle muscular dystrophy type 2L; Gnathodiaphyseal dysplasia. Last evaluated: 2022-12-29. Review status: criteria provided, single submitter. Criteria: Invitae Variant Classification Sherloc (09022015). Collection method: clinical testing. Allele origin: germline.
Comment: For these reasons, this variant has been classified as Pathogenic. ClinVar contains an entry for this variant (Variation ID: 195003). This variant has not been reported in the literature in individuals affected with ANO5-related conditions. This variant is present in population databases (rs797044667, gnomAD 0.002%). This sequence change creates a premature translational stop signal (p.Ser726Lysfs*20) in the ANO5 gene. It is expected to result in an absent or disrupted protein product. Loss-of-function variants in ANO5 are known to be pathogenic (PMID: 21186264, 23606453, 25891276, 30919934).

Revvity Omics, Revvity
Classification: Pathogenic. Last evaluated: 2019-08-30. Review status: criteria provided, single submitter. Criteria: ACMG Guidelines, 2015. Collection method: clinical testing. Allele origin: germline.

Eurofins Ntd Llc (ga)
Classification: Pathogenic. Last evaluated: 2014-12-16. Review status: criteria provided, single submitter. Criteria: EGL Classification Definitions. Collection method: clinical testing. Allele origin: germline. Observed: 1 variant allele, 1 heterozygote.

Literature cited by the submitters: PubMed 21186264 (cited by Labcorp Genetics (formerly Invitae), Labcorp); PubMed 23606453 (cited by Labcorp Genetics (formerly Invitae), Labcorp); PubMed 25891276 (cited by Labcorp Genetics (formerly Invitae), Labcorp); PubMed 30919934 (cited by Labcorp Genetics (formerly Invitae), Labcorp).